The following is an entry in ClinVar:

NM_001130438.3(SPTAN1):c.2193+6G>A

Gene: SPTAN1 (spectrin alpha, non-erythrocytic 1; plus strand). Cytogenetic location: 9q34.11.
Variant type: single nucleotide variant.
Coding change: c.2193+6G>A on transcript NM_001130438.3 (MANE Select); 6 bases into the intron after coding-DNA position 2193, G replaced by A.
Molecular consequence: intron variant.
Genome position (GRCh38, 1-based): chr9:128,583,975, G>A. VCF-style: chr9-128583975-G-A. GRCh37 (hg19) VCF-style: chr9-131346254-G-A.
Other names: c.2229+6G>A (NM_001375318.1, NM_001375312.2); c.2193+6G>A (NM_001375311.2, NM_001375314.2, NM_001375310.1 and 5 more transcripts).
Identifiers: ClinVar variation 1469841 (VCV001469841.7), dbSNP rs751573290, ClinGen allele CA1880335854.

ClinVar aggregate classification (germline): Uncertain significance (1 of 4 stars; one submission).

Conditions:
Early-infantile DEE. Also called: Early infantile epileptic encephalopathy with suppression bursts; Early infantile epileptic encephalopathy; Ohtahara syndrome. Identifiers: Orphanet 1934, MedGen C0393706, MONDO:0800491.

gnomAD v4.1: 2 of 1,614,160 alleles (0.00012%); highest among the groups gnomAD compares: Non-Finnish European, 0.00017%; no homozygotes.

Submission:

Labcorp Genetics (formerly Invitae), Labcorp
Classification: Uncertain significance for Early-infantile DEE. Last evaluated: 2023-07-21. Review status: criteria provided, single submitter. Criteria: Invitae Variant Classification Sherloc (09022015). Collection method: clinical testing. Allele origin: germline.
Comment: In summary, the available evidence is currently insufficient to determine the role of this variant in disease. Therefore, it has been classified as a Variant of Uncertain Significance. This sequence change falls in intron 16 of the SPTAN1 gene. It does not directly change the encoded amino acid sequence of the SPTAN1 protein. It affects a nucleotide within the consensus splice site. This variant is not present in population databases (gnomAD no frequency). This variant has not been reported in the literature in individuals affected with SPTAN1-related conditions. ClinVar contains an entry for this variant (Variation ID: 1469841). Variants that disrupt the consensus splice site are a relatively common cause of aberrant splicing (PMID: 17576681, 9536098). Algorithms developed to predict the effect of sequence changes on RNA splicing suggest that this variant may create or strengthen a splice site.

Literature cited by the submitters: PubMed 17576681; PubMed 9536098.